The following is an entry in ClinVar:

ClinVar aggregate classification (germline): Likely benign. Review status: criteria provided, single submitter (1 of 4 stars). 2 submissions from 2 submitters: Likely benign (1). 1 of the submissions does not count toward it. Last evaluated 2025-09-24.

Conditions:
Inborn genetic diseases. Identifiers: MedGen C0950123, MeSH D030342.

Allele frequency attached by ClinVar (database versions not stated): 1000 Genomes Project 30x 0.00047; ExAC 0.00005; TOPMed below 0.00001; gnomAD 0.00001; gnomAD exomes 0.00005 and 0.00001; 1000 Genomes Project 0.00040.
gnomAD v4.1: 22 of 1,613,708 alleles (0.0014%); highest among the groups gnomAD compares: South Asian, 0.023%; no homozygotes.

Submissions (2):

Ambry Genetics
Classification: Likely benign for Inborn genetic diseases. Last evaluated: 2025-09-24. Review status: criteria provided, single submitter. Criteria: Ambry Variant Classification Scheme 2023. Collection method: clinical testing. Allele origin: germline.

ITMI
No classification provided. Condition: AllHighlyPenetrant. Last evaluated: 2013-09-19. Review status: no classification provided. Collection method: reference population. Allele origin: germline. Not counted in ClinVar's aggregate classification.
Comment: Please see associated publication for description of ethnicities

Literature cited by the submitters: PubMed 24728327 (cited by ITMI).

NM_001386298.1(CIC):c.6212A>C (p.Tyr2071Ser)

Gene: CIC (capicua transcriptional repressor; plus strand). Cytogenetic location: 19q13.2.
Variant type: single nucleotide variant.
Coding change: c.6212A>C on transcript NM_001386298.1 (MANE Select); coding-DNA position 6212, A replaced by C.
Protein change: p.Tyr2071Ser; replaces tyrosine 2071 with serine.
Molecular consequence: missense variant.
Genome position (GRCh38, 1-based): chr19:42,292,971, A>C. VCF-style: chr19-42292971-A-C. GRCh37 (hg19) VCF-style: chr19-42797123-A-C.
Other names: c.3485A>C (NM_015125.3); c.6212A>C, p.Tyr2071Ser (NM_001304815.2, NM_001379482.1); c.6209A>C, p.Tyr2070Ser (NM_001379480.1); c.3485A>C, p.Tyr1162Ser (NM_001379484.1, NM_001379485.1, NM_015125.5); short protein forms Y1162S, Y2071S, Y2070S.
Identifiers: ClinVar variation 133909 (VCV000133909.2), dbSNP rs556245581, ClinGen allele CA158136.